The following is an entry in ClinVar:

ClinVar aggregate classification (germline): Benign (1 of 4 stars; one submission).

Conditions:
Retinitis pigmentosa (RP). Identifiers: Orphanet 791, MedGen C0035334, MeSH D012174, MONDO:0019200, OMIM 268000. Inheritance: Autosomal dominant, autosomal recessive and X linked inheritance.

Allele frequency attached by ClinVar (database versions not stated): 1000 Genomes Project 0.08566; 1000 Genomes Project 30x 0.08791; gnomAD 0.10760 and 0.11300; TOPMed 0.11507.

Submission:

Illumina Laboratory Services, Illumina
Classification: Benign for Retinitis pigmentosa. Last evaluated: 2018-01-13. Review status: criteria provided, single submitter. Criteria: ICSL Variant Classification Criteria 13 December 2019. Collection method: clinical testing. Allele origin: germline.
Comment: This variant was observed in the ICSL laboratory as part of a predisposition screen in an ostensibly healthy population. It had not been previously curated by ICSL or reported in the Human Gene Mutation Database (HGMD: prior to June 1st, 2018), and was therefore a candidate for classification through an automated scoring system. Utilizing variant allele frequency, disease prevalence and penetrance estimates, and inheritance mode, an automated score was calculated to assess if this variant is too frequent to cause the disease. Based on the score and internal cut-off values, a variant classified as benign is not then subjected to further curation. The score for this variant resulted in a classification of benign for this disease.

NM_001297.5(CNGB1):c.*1292A>C

Gene: CNGB1 (cyclic nucleotide gated channel subunit beta 1; minus strand). Cytogenetic location: 16q21.
Variant type: single nucleotide variant.
Coding change: c.*1292A>C on transcript NM_001297.5 (MANE Select); 1292 bases downstream of the stop codon, A replaced by C.
Molecular consequence: 3 prime UTR variant.
Genome position (GRCh38, 1-based): chr16:57,882,872, T>G on the plus strand (A>C on the coding strand, the complement: CNGB1 is on the minus strand). VCF-style: chr16-57882872-T-G. GRCh37 (hg19) VCF-style: chr16-57916776-T-G.
Other names: c.*1292A>C (NM_001286130.2).
Identifiers: ClinVar variation 320027 (VCV000320027.5), dbSNP rs9934916, ClinGen allele CA10643975.
Genomic context (GRCh38, chr16:57,882,872, plus strand): 5'-TGTCTGAATCATAAAAGCAACATGACACGATCTGGAAAGCTTTAGGGAATGTAAGTGCTG[T>G]CATCAGCTGGGAGATTTCATTTTCTAGGATTAATTGAAGTTGCTGCCACCATCTCTACAG-3'